The following is an entry in ClinVar:

ClinVar aggregate classification (germline): Uncertain significance (1 of 4 stars; one submission).

Conditions:
Inborn genetic diseases. Identifiers: MedGen C0950123, MeSH D030342.

Submission:

Ambry Genetics
Classification: Uncertain significance for Inborn genetic diseases. Last evaluated: 2025-09-19. Review status: criteria provided, single submitter. Criteria: Ambry Variant Classification Scheme 2023. Collection method: clinical testing. Allele origin: germline.
Comment: The p.Q258R variant (also known as c.773A>G), located in coding exon 2 of the SH2B3 gene, results from an A to G substitution at nucleotide position 773. The glutamine at codon 258 is replaced by arginine, an amino acid with highly similar properties. This amino acid position is conserved. In addition, this alteration is predicted to be tolerated by in silico analysis. Based on the available evidence, the clinical significance of this variant remains unclear.

NM_005475.3(SH2B3):c.773A>G (p.Gln258Arg)

Gene: SH2B3 (SH2B adaptor protein 3; plus strand). Cytogenetic location: 12q24.12.
Variant type: single nucleotide variant.
Coding change: c.773A>G on transcript NM_005475.3 (MANE Select); coding-DNA position 773, A replaced by G.
Protein change: p.Gln258Arg; replaces glutamine 258 with arginine.
Molecular consequence: missense variant.
Genome position (GRCh38, 1-based): chr12:111,446,793, A>G. VCF-style: chr12-111446793-A-G. GRCh37 (hg19) VCF-style: chr12-111884597-A-G.
Other names: c.167A>G, p.Gln56Arg (NM_001291424.1); short protein forms Q258R, Q56R.
Identifiers: ClinVar variation 4630686 (VCV004630686.1).